The following is an entry in ClinVar:

NM_003737.4(DCHS1):c.1900C>T (p.His634Tyr)

Gene: DCHS1 (dachsous cadherin-related 1; minus strand). Cytogenetic location: 11p15.4.
Variant type: single nucleotide variant.
Coding change: c.1900C>T on transcript NM_003737.4 (MANE Select); coding-DNA position 1900, C replaced by T.
Protein change: p.His634Tyr; replaces histidine 634 with tyrosine.
Molecular consequence: missense variant.
Genome position (GRCh38, 1-based): chr11:6,634,204, G>A on the plus strand (C>T on the coding strand, the complement: DCHS1 is on the minus strand). VCF-style: chr11-6634204-G-A. GRCh37 (hg19) VCF-style: chr11-6655435-G-A.
Other names: short protein forms H634Y.
Identifiers: ClinVar variation 4738551 (VCV004738551.1).

ClinVar aggregate classification (germline): Uncertain significance (1 of 4 stars; one submission).

Submission:

Labcorp Genetics (formerly Invitae), Labcorp
Classification: Uncertain significance. Last evaluated: 2025-09-08. Review status: criteria provided, single submitter. Criteria: Invitae Variant Classification Sherloc (09022015). Collection method: clinical testing. Allele origin: germline.
Comment: This sequence change replaces histidine, which is basic and polar, with tyrosine, which is neutral and polar, at codon 634 of the DCHS1 protein (p.His634Tyr). This variant is not present in population databases (gnomAD no frequency). This variant has not been reported in the literature in individuals affected with DCHS1-related conditions. Invitae Evidence Modeling of protein sequence and biophysical properties (such as structural, functional, and spatial information, amino acid conservation, physicochemical variation, residue mobility, and thermodynamic stability) indicates that this missense variant is not expected to disrupt DCHS1 protein function with a negative predictive value of 80%. In summary, the available evidence is currently insufficient to determine the role of this variant in disease. Therefore, it has been classified as a Variant of Uncertain Significance.